The following continues an entry in ClinVar:

NM_058216.3(RAD51C):c.1026+5_1026+7del

Gene: RAD51C. ClinVar aggregate classification (germline): Pathogenic/Likely pathogenic. Pathogenic (9); Likely pathogenic (19).

Submissions 23 to 32 of 32:

Women's Health and Genetics/Laboratory Corporation of America, LabCorp
Classification: Pathogenic for Hereditary breast ovarian cancer syndrome. Last evaluated: 2022-03-17. Review status: criteria provided, single submitter. Criteria: LabCorp Variant Classification Summary - May 2015. Collection method: clinical testing. Allele origin: germline.
Comment: Variant summary: RAD51C c.1026+5_1026+7delGTA alters a nucleotide located close to a canonical splice site and therefore could affect mRNA splicing, leading to a significantly altered protein sequence. Several computational tools predict a significant impact on normal splicing: three predict the variant abolishes a 5 prime splicing donor site. Three publications report experimental evidence that this variant affects mRNA splicing. The variant allele was found at a frequency of 1.6e-05 in 253704 control chromosomes. c.1026+5_1026+7delGTA has been reported in the literature in multiple individuals affected with Hereditary Breast And Ovarian Cancer Syndrome. These data indicate that the variant is very likely to be associated with disease. Ten clinical diagnostic laboratories have submitted clinical-significance assessments for this variant to ClinVar after 2014 without evidence for independent evaluation. All laboratories classified the variant as pathogenic/likely pathogenic. Based on the evidence outlined above, the variant was classified as pathogenic.

Sema4
Classification: Likely pathogenic for Hereditary cancer-predisposing syndrome. Last evaluated: 2021-09-21. Review status: criteria provided, single submitter. Criteria: Sema4 Curation Guidelines. Collection method: curation. Allele origin: germline.
Comment: The RAD51C c.1026+5_1026+7delGTA variant has been reported in heterozygosity in at least 3 individuals with breast or ovarian cancer (PMID: 24139550, 26057125, 27616075). Functional studies have shown that this variant alters splicing patterns, leading to the skipping of exon 8 (PMID: 28905878). This variant was observed in 3/113684 chromosomes in the European (non-Finnish) population, with no homozygotes, according to the Genome Aggregation Database (PMID: 32461654). The variant has been reported in ClinVar (Variation ID 128201). Based on the current evidence available, this variant is interpreted as likely pathogenic.

Institute of Medical Genetics and Applied Genomics, University Hospital Tübingen
Classification: Likely pathogenic. Last evaluated: 2020-10-23. Review status: criteria provided, single submitter. Criteria: ACMG Guidelines, 2015. Collection method: clinical testing. Allele origin: germline. Inheritance: Unknown mechanism. Affected: yes.

University of Washington Department of Laboratory Medicine, University of Washington
Classification: Likely pathogenic for Breast-ovarian cancer, familial 3. Last evaluated: 2018-05-17. Review status: criteria provided, single submitter. Criteria: Tsai GJ et al. (Genet Med 2018). Collection method: research. Allele origin: germline. Inheritance: Autosomal dominant inheritance. Affected: yes.
Comment: The RAD51C variant designated as NM_058216.2:c.1026+5_1026+7delGTA was previously classified as a variant of uncertain significance and is now classified as likely pathogenic. This variant is a nucleotide deletion that affects a consensus splice site in intron 8 of the RAD51C gene. RNA studies of peripheral blood from individuals with the variant have demonstrated that the variant leads to skipping of exon 8, resulting in a frameshift and the generation of a premature stop codon in the final exon (Golmard 2013, PMID:241395; Janatova 2015, PMID:26057125). Nonsense-mediated decay is not expected to result from this variant, but it leads to a removal of the nuclear localization signal which can cause cellular mislocalization (French 2003, PMID:12966089). This variant is not listed in population databases. It has been reported in an unaffected control individual and in individuals with breast cancer, ovarian cancer, and uterine cancer in multiple studies (Loveday 2012, PMID:22538716; Golmard 2013, PMID:2413955; Janatova 2015, PMID:26057125; Kraus 2017, PMID:27616075). Bayesian analysis integrating all of this data (Tavtigian et al, 2018, PMID:29300386) gives about 98% probability of pathogenicity based largely on splice prediction and functional studies, which are consistent with a classification of likely pathogenic. This variant is predicted to alter RAD51C function and modify risk for cancer. This analysis was performed in conjunction with the family studies project as part of the University of Washington Find My Variant Study.

Genesis Genomics
Classification: Pathogenic for Breast-ovarian cancer, familial, susceptibility to, 3. Review status: criteria provided, single submitter. Criteria: ACMG Guidelines, 2015. Collection method: clinical testing. Allele origin: germline. Affected: no. Observed: 1 variant allele.

Laboratoire de Biologie et Génétique du Cancer, Centre François Baclesse
Classification: Pathogenic for Breast-ovarian cancer, familial, susceptibility to, 3. Review status: criteria provided, single submitter. Criteria: Submitter's publication. Collection method: clinical testing. Allele origin: germline. Inheritance: Autosomal dominant inheritance. Affected: yes.

CZECANCA consortium
Classification: Likely pathogenic for Uterine corpus cancer. Last evaluated: 2023-02-21. Review status: no assertion criteria provided. Collection method: clinical testing. Allele origin: germline. Affected: yes. Observed: 1 variant allele. Not counted in ClinVar's aggregate classification.

King Laboratory, University of Washington
Classification: Pathogenic for Hereditary site-specific ovarian cancer syndrome. Last evaluated: 2019-09-01. Review status: no assertion criteria provided. Collection method: research. Allele origin: germline. Affected: yes. Not counted in ClinVar's aggregate classification.
Comment: Transcript analysis by cBROCA

CZECANCA consortium
Classification: Likely pathogenic for Breast and/or ovarian cancer. Last evaluated: 2019-06-11. Review status: no assertion criteria provided. Collection method: clinical testing. Allele origin: germline. Affected: yes. Observed: 1 variant allele. Not counted in ClinVar's aggregate classification.

Counsyl
Classification: Likely pathogenic for Fanconi anemia complementation group O; Breast-ovarian cancer, familial, susceptibility to, 3. Last evaluated: 2016-08-06. Review status: no assertion criteria provided. Collection method: clinical testing. Allele origin: unknown. Not counted in ClinVar's aggregate classification.

Literature cited by the submitters: PubMed 22538716 (cited by 9 submitters); PubMed 24139550 (cited by 11 submitters); PubMed 26057125 (cited by 11 submitters); PubMed 27616075 (cited by 9 submitters); PubMed 29255180 (cited by 8 submitters); PubMed 29978187 (cited by 5 submitters); PubMed 30086788 (cited by 7 submitters); PubMed 30257646 (cited by 7 submitters); PubMed 30374176 (cited by 5 submitters); PubMed 31882575 (cited by 6 submitters); PubMed 17576681 (cited by Labcorp Genetics (formerly Invitae), Labcorp); PubMed 9536098 (cited by Labcorp Genetics (formerly Invitae), Labcorp); PubMed 28905878 (cited by 9 submitters); PubMed 31843900 (cited by 9 submitters); PubMed 12966089 (cited by 6 submitters); PubMed 32854451 (cited by 4 submitters); PubMed 32957588 (cited by Color Diagnostics, LLC DBA Color Health and Department of Pathology and Laboratory Medicine, Sinai Health System); PubMed 26681312 (cited by 3 submitters); PubMed 27621404 (cited by Ambry Genetics and Quest Diagnostics Nichols Institute San Juan Capistrano); PubMed 33333735 (cited by 4 submitters); PubMed 25085752 (cited by Myriad Genetics, Inc.); PubMed 32295079 (cited by CZECANCA consortium).